The following is an entry in ClinVar:

NM_000016.6(ACADM):c.850-79C>G

Gene: ACADM (acyl-CoA dehydrogenase medium chain; plus strand). Cytogenetic location: 1p31.1.
Variant type: single nucleotide variant.
Coding change: c.850-79C>G on transcript NM_000016.6 (MANE Select); 79 bases into the intron before coding-DNA position 850, C replaced by G.
Molecular consequence: intron variant.
Genome position (GRCh38, 1-based): chr1:75,750,372, C>G. VCF-style: chr1-75750372-C-G. GRCh37 (hg19) VCF-style: chr1-76216057-C-G.
Other names: c.862-79C>G (NM_001127328.3); c.949-79C>G (NM_001286043.2); c.742-79C>G (NM_001286042.2); c.283-79C>G (NM_001286044.2).
Identifiers: ClinVar variation 675508 (VCV000675508.2), dbSNP rs114277271, ClinGen allele CA24631972.

ClinVar aggregate classification (germline): Likely benign. Review status: criteria provided, multiple submitters, no conflicts (2 of 4 stars). 2 submissions from 2 submitters: Likely benign (2). Last evaluated 2018-06-16.

Allele frequency attached by ClinVar (database versions not stated): gnomAD exomes 0.00047; gnomAD 0.00436; 1000 Genomes Project 0.00539; TOPMed 0.00542; 1000 Genomes Project 30x 0.00640.
gnomAD v4.1: 1,287 of 1,219,008 alleles (0.11%); highest among the groups gnomAD compares: African/African-American, 1.8%; 15 homozygotes.

Submissions (2):

GeneDx
Classification: Likely benign. Last evaluated: 2018-06-16. Review status: criteria provided, single submitter. Criteria: GeneDx Variant Classification (06012015). Collection method: clinical testing. Allele origin: germline. Affected: yes.
Comment: This variant is considered likely benign or benign based on one or more of the following criteria: it is a conservative change, it occurs at a poorly conserved position in the protein, it is predicted to be benign by multiple in silico algorithms, and/or has population frequency not consistent with disease.

Breakthrough Genomics
Classification: Likely benign. Review status: criteria provided, single submitter. Criteria: ACMG Guidelines, 2015. Collection method: not provided. Allele origin: germline. Inheritance: Autosomal recessive inheritance. Affected: yes.